The following is an entry in ClinVar:

ClinVar aggregate classification (germline): Uncertain significance (1 of 4 stars; one submission).

Conditions:
Autosomal recessive ataxia, Beauce type. Also called: SYNE1-Related Autosomal Recessive Cerebellar Ataxia; Spinocerebellar ataxia, autosomal recessive 8; ATAXIA, RECESSIVE, OF BEAUCE; SYNE1 Deficiency. Identifiers: Orphanet 88644, MedGen C1853116, MONDO:0012549, OMIM 610743.
Emery-Dreifuss muscular dystrophy 4, autosomal dominant (EDMD4). Also called: EMERY-DREIFUSS MUSCULAR DYSTROPHY 4 WITH VARIABLE FEATURES. Identifiers: Orphanet 261, MedGen C2751807, MONDO:0013071, OMIM 612998.

gnomAD v4.1: 6 of 1,614,074 alleles (0.00037%); highest among the groups gnomAD compares: Non-Finnish European, 0.00051%; no homozygotes.

Submission:

Labcorp Genetics (formerly Invitae), Labcorp
Classification: Uncertain significance for Emery-Dreifuss muscular dystrophy 4, autosomal dominant; Autosomal recessive ataxia, Beauce type. Last evaluated: 2025-12-10. Review status: criteria provided, single submitter. Criteria: Invitae Variant Classification Sherloc (09022015). Collection method: clinical testing. Allele origin: germline.
Comment: This sequence change replaces alanine, which is neutral and non-polar, with threonine, which is neutral and polar, at codon 2970 of the SYNE1 protein (p.Ala2970Thr). This variant is present in population databases (no rsID available, gnomAD 0.002%). This variant has not been reported in the literature in individuals affected with SYNE1-related conditions. An algorithm developed to predict the effect of missense changes on protein structure and function outputs the following: PolyPhen-2: "Benign". The threonine amino acid residue is found in multiple mammalian species, which suggests that this missense change does not adversely affect protein function. In summary, the available evidence is currently insufficient to determine the role of this variant in disease. Therefore, it has been classified as a Variant of Uncertain Significance.

NM_182961.4(SYNE1):c.8887G>A (p.Ala2963Thr)

Genes: SYNE1 (spectrin repeat containing nuclear envelope protein 1; minus strand), SYNE1-AS1 (SYNE1 antisense RNA 1; plus strand). Cytogenetic location: 6q25.2.
Variant type: single nucleotide variant.
Coding change: c.8887G>A on transcript NM_182961.4 (MANE Select); coding-DNA position 8887, G replaced by A.
Protein change: p.Ala2963Thr; replaces alanine 2963 with threonine.
Molecular consequence: missense variant. On other transcripts: non-coding transcript variant (1).
Genome position (GRCh38, 1-based): chr6:152,381,128, C>T on the plus strand (G>A on the coding strand, the complement: SYNE1 is on the minus strand). VCF-style: chr6-152381128-C-T. GRCh37 (hg19) VCF-style: chr6-152702263-C-T.
Other names: c.8908G>A, p.Ala2970Thr (NM_033071.5); short protein forms A2970T, A2963T.
Identifiers: ClinVar variation 4782418 (VCV004782418.1).